The following is an entry in ClinVar:

ClinVar aggregate classification (germline): Uncertain significance (1 of 4 stars; one submission).

Allele frequency attached by ClinVar (database versions not stated): gnomAD exomes below 0.00001.
gnomAD v4.1: 1 of 1,614,102 alleles (0.000062%); highest among the groups gnomAD compares: Non-Finnish European, 0.000085%; no homozygotes.

Submission:

CeGaT Center for Human Genetics Tuebingen
Classification: Uncertain significance. Last evaluated: 2025-02-01. Review status: criteria provided, single submitter. Criteria: CeGaT Center For Human Genetics Tuebingen Variant Classification Criteria Version 2. Collection method: clinical testing. Allele origin: germline. Affected: yes. Observed: 1 variant allele.
Comment: ACADM: PM2, PM3:Supporting, PP3

NM_000016.6(ACADM):c.337G>C (p.Ala113Pro)

Gene: ACADM (acyl-CoA dehydrogenase medium chain; plus strand). Cytogenetic location: 1p31.1.
Variant type: single nucleotide variant.
Coding change: c.337G>C on transcript NM_000016.6 (MANE Select); coding-DNA position 337, G replaced by C.
Protein change: p.Ala113Pro; replaces alanine 113 with proline.
Molecular consequence: missense variant. On other transcripts: intron variant (1).
Genome position (GRCh38, 1-based): chr1:75,733,578, G>C. VCF-style: chr1-75733578-G-C. GRCh37 (hg19) VCF-style: chr1-76199263-G-C.
Other names: c.349G>C, p.Ala117Pro (NM_001127328.3); c.229G>C, p.Ala77Pro (NM_001286042.2); c.436G>C, p.Ala146Pro (NM_001286043.2); c.-100+656G>C (NM_001286044.2); short protein forms A117P, A113P, A146P, A77P.
Identifiers: ClinVar variation 806152 (VCV000806152.42), dbSNP rs1570863351, ClinGen allele CA340812224.